The following is an entry in ClinVar:

ClinVar aggregate classification (germline): Uncertain significance. Review status: criteria provided, multiple submitters, no conflicts (2 of 4 stars). 2 submissions from 2 submitters: Uncertain significance (2). Last evaluated 2025-12-20.

Conditions:
Familial cancer of breast. Also called: BREAST CANCER, FAMILIAL; Hereditary breast cancer; hereditary breast carcinoma. Identifiers: Orphanet 227535, MedGen C0346153, MONDO:0016419, OMIM 114480. Disease mechanism: loss of function.
Hereditary cancer-predisposing syndrome. Also called: Tumor predisposition; Hereditary neoplastic syndrome; Hereditary Cancer Syndrome; Neoplastic Syndromes, Hereditary. Identifiers: Orphanet 140162, MedGen C0027672, MeSH D009386, MONDO:0015356.

gnomAD v4.1: 2 of 1,614,152 alleles (0.00012%); highest among the groups gnomAD compares: Non-Finnish European, 0.00017%; no homozygotes.

Submissions (2):

Ambry Genetics
Classification: Uncertain significance for Hereditary cancer-predisposing syndrome. Last evaluated: 2025-12-20. Review status: criteria provided, single submitter. Criteria: Ambry Variant Classification Scheme 2023. Collection method: clinical testing. Allele origin: germline.
Comment: The p.T358R variant (also known as c.1073C>G), located in coding exon 8 of the CDH1 gene, results from a C to G substitution at nucleotide position 1073. The threonine at codon 358 is replaced by arginine, an amino acid with similar properties. This amino acid position is conserved. In addition, this alteration is predicted to be tolerated by in silico analysis. Based on the available evidence, the clinical significance of this variant remains unclear.

Institute of Human Genetics, University of Leipzig Medical Center
Classification: Uncertain significance for Familial cancer of breast. Last evaluated: 2019-01-01. Review status: criteria provided, single submitter. Criteria: ACMG Guidelines, 2015. Collection method: clinical testing. Allele origin: unknown. Affected: no.

NM_004360.5(CDH1):c.1073C>G (p.Thr358Arg)

Gene: CDH1 (cadherin 1; plus strand). Cytogenetic location: 16q22.1.
Variant type: single nucleotide variant.
Coding change: c.1073C>G on transcript NM_004360.5 (MANE Select); coding-DNA position 1073, C replaced by G.
Protein change: p.Thr358Arg; replaces threonine 358 with arginine.
Molecular consequence: missense variant. On other transcripts: 5 prime UTR variant (2).
Genome position (GRCh38, 1-based): chr16:68,812,199, C>G. VCF-style: chr16-68812199-C-G. GRCh37 (hg19) VCF-style: chr16-68846102-C-G.
Other names: c.1073C>G (NM_004360.3); c.1073C>G, p.Thr358Arg (NM_001317184.2); c.-543C>G (NM_001317185.2); c.-747C>G (NM_001317186.2); short protein forms T358R.
Identifiers: ClinVar variation 982989 (VCV000982989.3), dbSNP rs1191901557, ClinGen allele CA396460049.